The following is an entry in ClinVar:

NM_017917.4(PPP2R3C):c.1341T>C (p.Ser447=)

Genes: PPP2R3C (protein phosphatase 2 regulatory subunit B''gamma; minus strand), LOC101927178 (uncharacterized LOC101927178; plus strand). Cytogenetic location: 14q13.2.
Variant type: single nucleotide variant.
Coding change: c.1341T>C on transcript NM_017917.4 (MANE Select); coding-DNA position 1341, T replaced by C.
Protein change: p.Ser447=; no amino-acid change (serine 447 retained).
Molecular consequence: synonymous variant. On other transcripts: non-coding transcript variant (1).
Genome position (GRCh38, 1-based): chr14:35,085,611, A>G on the plus strand (T>C on the coding strand, the complement: PPP2R3C is on the minus strand). VCF-style: chr14-35085611-A-G. GRCh37 (hg19) VCF-style: chr14-35554817-A-G.
Other names: c.1011T>C, p.Ser337= (NM_001305155.2, NM_001305156.2).
Identifiers: ClinVar variation 4874626 (VCV004874626.2).

ClinVar aggregate classification (germline): Likely benign (1 of 4 stars; one submission).

gnomAD v4.1: 6 of 1,610,894 alleles (0.00037%); highest among the groups gnomAD compares: African/African-American, 0.008%; no homozygotes.

Submission:

CeGaT Center for Human Genetics Tuebingen
Classification: Likely benign. Last evaluated: 2026-04-01. Review status: criteria provided, single submitter. Criteria: CeGaT Center For Human Genetics Tuebingen Variant Classification Criteria Version 2. Collection method: clinical testing. Allele origin: germline. Affected: yes. Observed: 1 variant allele.
Comment: PPP2R3C: BP4, BP7